The following is an entry in ClinVar:

ClinVar aggregate classification (germline): Conflicting classifications of pathogenicity. Review status: criteria provided, conflicting classifications (1 of 4 stars). 2 submissions from 2 submitters: Uncertain significance (1); Likely benign (1). Last evaluated 2024-11-01.

gnomAD v4.1: 148 of 1,610,470 alleles (0.0092%); highest among the groups gnomAD compares: South Asian, 0.11%; 1 homozygote.

Submissions (2):

CeGaT Center for Human Genetics Tuebingen
Classification: Likely benign. Last evaluated: 2024-11-01. Review status: criteria provided, single submitter. Criteria: CeGaT Center For Human Genetics Tuebingen Variant Classification Criteria Version 2. Collection method: clinical testing. Allele origin: germline. Affected: yes. Observed: 1 variant allele.
Comment: PLIN4: BP4, BS1

Ambry Genetics
Classification: Uncertain significance. Last evaluated: 2024-08-20. Review status: criteria provided, single submitter. Criteria: Ambry Variant Classification Scheme 2023. Collection method: clinical testing. Allele origin: germline.

NM_001367868.2(PLIN4):c.2818A>C (p.Asn940His)

Gene: PLIN4 (perilipin 4; minus strand). Cytogenetic location: 19p13.3.
Variant type: single nucleotide variant.
Coding change: c.2818A>C on transcript NM_001367868.2 (MANE Select); coding-DNA position 2818, A replaced by C.
Protein change: p.Asn940His; replaces asparagine 940 with histidine.
Molecular consequence: missense variant.
Genome position (GRCh38, 1-based): chr19:4,511,142, T>G on the plus strand (A>C on the coding strand, the complement: PLIN4 is on the minus strand). VCF-style: chr19-4511142-T-G. GRCh37 (hg19) VCF-style: chr19-4511154-T-G.
Other names: NM_001080400.1:c.2776A>C; c.2821A>C, p.Asn941His (NM_001393888.1, NM_001393889.1); c.2818A>C, p.Asn940His (NM_001393890.1, NM_001393891.1); short protein forms N940H, N941H.
Identifiers: ClinVar variation 3388754 (VCV003388754.15).
Genomic context (GRCh38, chr19:4,511,142, plus strand): 5'-CGCCACTCAGCACCGTCTTGGCTGTGTCCACACCTGTCTGGACGGTCCCTTTGGCCACAT[T>G]TACGGCACCAGTGACTCCACTGCAGACGGTGTCCTTGGTACCGGTCAGGACAGTCTTGCT-3'
Protein context (NP_001354797.1, residues 930-950): TVCSGVTGAV[Asn940His]VAKGTVQTGV